The following is an entry in ClinVar:

ClinVar aggregate classification (germline): Uncertain significance (1 of 4 stars; one submission).

Conditions:
Neuronal ceroid lipofuscinosis. Also called: Neuronal Ceroid Lipofuscinoses. Identifiers: Orphanet 216, Orphanet 79263, MedGen C0027877, MONDO:0016295. Disease mechanism: loss of function.

Allele frequency attached by ClinVar (database versions not stated): gnomAD 0.00001; TOPMed 0.00003.
gnomAD v4.1: 2 of 1,613,810 alleles (0.00012%); highest among the groups gnomAD compares: African/African-American, 0.0027%; no homozygotes.

Submission:

Labcorp Genetics (formerly Invitae), Labcorp
Classification: Uncertain significance for Neuronal ceroid lipofuscinosis. Last evaluated: 2021-09-02. Review status: criteria provided, single submitter. Criteria: Invitae Variant Classification Sherloc (09022015). Collection method: clinical testing. Allele origin: germline.
Comment: This sequence change replaces isoleucine with valine at codon 111 of the CLN3 protein (p.Ile111Val). The isoleucine residue is moderately conserved and there is a small physicochemical difference between isoleucine and valine. This variant is not present in population databases (ExAC no frequency). This variant has not been reported in the literature in individuals affected with CLN3-related conditions. Algorithms developed to predict the effect of missense changes on protein structure and function are either unavailable or do not agree on the potential impact of this missense change (SIFT: "Tolerated"; PolyPhen-2: "Probably Damaging"; Align-GVGD: "Class C0"). In summary, the available evidence is currently insufficient to determine the role of this variant in disease. Therefore, it has been classified as a Variant of Uncertain Significance.

NM_001042432.2(CLN3):c.331A>G (p.Ile111Val)

Gene: CLN3 (CLN3 lysosomal/endosomal transmembrane protein, battenin; minus strand). Cytogenetic location: 16p12.1.
Variant type: single nucleotide variant.
Coding change: c.331A>G on transcript NM_001042432.2 (MANE Select); coding-DNA position 331, A replaced by G.
Protein change: p.Ile111Val; replaces isoleucine 111 with valine.
Molecular consequence: missense variant. On other transcripts: intron variant (1).
Genome position (GRCh38, 1-based): chr16:28,487,705, T>C on the plus strand (A>G on the coding strand, the complement: CLN3 is on the minus strand). VCF-style: chr16-28487705-T-C. GRCh37 (hg19) VCF-style: chr16-28499026-T-C.
Other names: c.331A>G, p.Ile111Val (NM_000086.2); c.259A>G, p.Ile87Val (NM_001286104.2); c.97A>G, p.Ile33Val (NM_001286109.2); c.169A>G, p.Ile57Val (NM_001286110.2); c.75-164A>G (NM_001286105.2); short protein forms I111V, I33V, I57V, I87V.
Identifiers: ClinVar variation 1000390 (VCV001000390.6), dbSNP rs1331033517, ClinGen allele CA395346094.